The following is an entry in ClinVar:

ClinVar aggregate classification (germline): Uncertain significance. Review status: criteria provided, multiple submitters, no conflicts (2 of 4 stars). 6 submissions from 6 submitters: Uncertain significance (6). Last evaluated 2025-12-29.

Conditions:
Endometrial carcinoma. Also called: Endometrial carcinoma, somatic. Identifiers: MedGen C0476089, MONDO:0002447, OMIM 608089, HP:0012114.
Hereditary cancer-predisposing syndrome. Also called: Neoplastic Syndromes, Hereditary; Tumor predisposition; Hereditary Cancer Syndrome; Hereditary neoplastic syndrome. Identifiers: Orphanet 140162, MedGen C0027672, MeSH D009386, MONDO:0015356.

Allele frequency attached by ClinVar (database versions not stated): gnomAD below 0.00001 and 0.00002; TOPMed below 0.00001; gnomAD exomes 0.00003 and 0.00007; ExAC 0.00007; 1000 Genomes Project 30x 0.00016; 1000 Genomes Project 0.00020.
gnomAD v4.1: 48 of 1,613,440 alleles (0.003%); highest among the groups gnomAD compares: South Asian, 0.051%; no homozygotes.

Submissions (6):

Center for Genomic Medicine, Rigshospitalet, Copenhagen University Hospital
Classification: Uncertain significance. Last evaluated: 2025-12-29. Review status: criteria provided, single submitter. Criteria: ACMG Guidelines, 2015. Collection method: clinical testing. Allele origin: germline.

Labcorp Genetics (formerly Invitae), Labcorp
Classification: Uncertain significance. Last evaluated: 2025-11-30. Review status: criteria provided, single submitter. Criteria: Invitae Variant Classification Sherloc (09022015). Collection method: clinical testing. Allele origin: germline.
Comment: This sequence change replaces lysine, which is basic and polar, with asparagine, which is neutral and polar, at codon 178 of the MSH3 protein (p.Lys178Asn). This variant is present in population databases (rs569679162, gnomAD 0.05%). This variant has not been reported in the literature in individuals affected with MSH3-related conditions. ClinVar contains an entry for this variant (Variation ID: 652371). An algorithm developed to predict the effect of missense changes on protein structure and function (PolyPhen-2) suggests that this variant is likely to be tolerated. In summary, the available evidence is currently insufficient to determine the role of this variant in disease. Therefore, it has been classified as a Variant of Uncertain Significance.

Ambry Genetics
Classification: Uncertain significance for Hereditary cancer-predisposing syndrome. Last evaluated: 2025-04-01. Review status: criteria provided, single submitter. Criteria: Ambry Variant Classification Scheme 2023. Collection method: clinical testing. Allele origin: germline.
Comment: The p.K178N variant (also known as c.534G>T), located in coding exon 3 of the MSH3 gene, results from a G to T substitution at nucleotide position 534. The lysine at codon 178 is replaced by asparagine, an amino acid with similar properties. This amino acid position is highly conserved in available vertebrate species. In addition, this alteration is predicted to be tolerated by in silico analysis. Since supporting evidence is limited at this time, the clinical significance of this alteration remains unclear.

GeneDx
Classification: Uncertain significance. Last evaluated: 2024-07-30. Review status: criteria provided, single submitter. Criteria: GeneDx Variant Classification Process June 2021. Collection method: clinical testing. Allele origin: germline. Affected: yes.
Comment: In silico analysis indicates that this missense variant does not alter protein structure/function; Has not been previously published as pathogenic or benign to our knowledge

Baylor Genetics
Classification: Uncertain significance for Endometrial carcinoma. Last evaluated: 2024-01-23. Review status: criteria provided, single submitter. Criteria: ACMG Guidelines, 2015. Collection method: clinical testing. Allele origin: unknown.

Sema4
Classification: Uncertain significance for Hereditary cancer-predisposing syndrome. Last evaluated: 2021-09-30. Review status: criteria provided, single submitter. Criteria: Sema4 Curation Guidelines. Collection method: curation. Allele origin: germline.
Comment: The MSH3 c.534G>T (p.K178N) variant has not been reported in the literature to our knowledge. It was observed in 16/30610 chromosomes of the South Asian subpopulation in the large and broad cohorts of the Genome Aggregation Database (PMID: 32461654). The variant has been reported in ClinVar (Variation ID: 652371). Functional studies have not been performed, and in silico predictions of the variant's effect on protein function are inconclusive. The evidence is insufficient to meet ACMG/AMP criteria for classifying the variant as benign or pathogenic. Thus, the clinical significance of this variant is currently uncertain.

NM_002439.5(MSH3):c.534G>T (p.Lys178Asn)

Gene: MSH3 (mutS homolog 3; plus strand). Cytogenetic location: 5q14.1.
Variant type: single nucleotide variant.
Coding change: c.534G>T on transcript NM_002439.5 (MANE Select); coding-DNA position 534, G replaced by T.
Protein change: p.Lys178Asn; replaces lysine 178 with asparagine.
Molecular consequence: missense variant.
Genome position (GRCh38, 1-based): chr5:80,665,318, G>T. VCF-style: chr5-80665318-G-T. GRCh37 (hg19) VCF-style: chr5-79961137-G-T.
Other names: short protein forms K178N.
Identifiers: ClinVar variation 652371 (VCV000652371.17), dbSNP rs569679162, ClinGen allele CA3327624.